The following is an entry in ClinVar:

NM_001395413.1(POR):c.530C>G (p.Thr177Ser)

Gene: POR (cytochrome p450 oxidoreductase; plus strand). Cytogenetic location: 7q11.23.
Variant type: single nucleotide variant.
Coding change: c.530C>G on transcript NM_001395413.1 (MANE Select); coding-DNA position 530, C replaced by G.
Protein change: p.Thr177Ser; replaces threonine 177 with serine.
Molecular consequence: missense variant.
Genome position (GRCh38, 1-based): chr7:75,981,070, C>G. VCF-style: chr7-75981070-C-G. GRCh37 (hg19) VCF-style: chr7-75610388-C-G.
Other names: c.530C>G, p.Thr177Ser (NM_001367562.3, NM_001382657.2, NM_001382658.3 and 2 more transcripts); c.584C>G, p.Thr195Ser (NM_001382655.3); short protein forms T177S, T195S.
Identifiers: ClinVar variation 1392386 (VCV001392386.6), dbSNP rs2116593920, ClinGen allele CA367747988.
Genomic context (GRCh38, chr7:75,981,070, plus strand): 5'-GAGGGCCAGGCCTCAGAGCGGCCCCTGTGTCCACGCAGGTGTTTGGTCTTGGGAACAAGA[C>G]CTACGAGCACTTCAATGCCATGGGCAAGTACGTGGACAAGCGGCTGGAGCAGCTCGGCGC-3'
Protein context (NP_001382342.1, residues 167-187): KFAVFGLGNK[Thr177Ser]YEHFNAMGKY

ClinVar aggregate classification (germline): Uncertain significance (1 of 4 stars; one submission).

Conditions:
Congenital adrenal hyperplasia due to cytochrome P450 oxidoreductase deficiency. Also called: DISORDERED STEROIDOGENESIS DUE TO POR DEFICIENCY. Identifiers: Orphanet 95699, MedGen C1860042, MONDO:0013310, OMIM 613571.

Submission:

Labcorp Genetics (formerly Invitae), Labcorp
Classification: Uncertain significance for Congenital adrenal hyperplasia due to cytochrome P450 oxidoreductase deficiency. Last evaluated: 2021-11-10. Review status: criteria provided, single submitter. Criteria: Invitae Variant Classification Sherloc (09022015). Collection method: clinical testing. Allele origin: germline.
Comment: This sequence change replaces threonine, which is neutral and polar, with serine, which is neutral and polar, at codon 180 of the POR protein (p.Thr180Ser). This variant is not present in population databases (gnomAD no frequency). This variant has not been reported in the literature in individuals affected with POR-related conditions. Algorithms developed to predict the effect of missense changes on protein structure and function are either unavailable or do not agree on the potential impact of this missense change (SIFT: "Deleterious"; PolyPhen-2: "Benign"; Align-GVGD: "Class C0"). In summary, the available evidence is currently insufficient to determine the role of this variant in disease. Therefore, it has been classified as a Variant of Uncertain Significance.